The following is an entry in ClinVar:

ClinVar aggregate classification (germline): Likely benign. Review status: criteria provided, multiple submitters, no conflicts (2 of 4 stars). 2 submissions from 2 submitters: Likely benign (2). Last evaluated 2026-01-30.

Allele frequency attached by ClinVar (database versions not stated): gnomAD exomes below 0.00001 and 0.00001; TOPMed below 0.00001.
gnomAD v4.1: 4 of 1,613,810 alleles (0.00025%); highest among the groups gnomAD compares: Non-Finnish European, 0.00034%; no homozygotes.

Submissions (2):

Labcorp Genetics (formerly Invitae), Labcorp
Classification: Likely benign. Last evaluated: 2026-01-30. Review status: criteria provided, single submitter. Criteria: Invitae Variant Classification Sherloc (09022015). Collection method: clinical testing. Allele origin: germline.

Laboratory for Molecular Medicine, Mass General Brigham Personalized Medicine
Classification: Likely benign. Last evaluated: 2015-04-20. Review status: criteria provided, single submitter. Criteria: LMM Criteria. Collection method: clinical testing. Allele origin: germline. Observed: 1 variant allele.
Comment: p.Lys2074Lys in exon 48 of CACNA1D: This variant is not expected to have clinica l significance because it does not alter an amino acid residue and it is not loc ated within the splice consensus sequence.

NM_001128840.3(CACNA1D):c.6162G>A (p.Lys2054=)

Gene: CACNA1D (calcium voltage-gated channel subunit alpha1 D; plus strand). Cytogenetic location: 3p21.1.
Variant type: single nucleotide variant.
Coding change: c.6162G>A on transcript NM_001128840.3 (MANE Select); coding-DNA position 6162, G replaced by A.
Protein change: p.Lys2054=; no amino-acid change (lysine 2054 retained).
Molecular consequence: synonymous variant.
Genome position (GRCh38, 1-based): chr3:53,810,268, G>A. VCF-style: chr3-53810268-G-A. GRCh37 (hg19) VCF-style: chr3-53844295-G-A.
Other names: c.6222G>A, p.Lys2074= (NM_000720.4); c.6090G>A, p.Lys2030= (NM_001128839.3).
Identifiers: ClinVar variation 227207 (VCV000227207.6), dbSNP rs876657434, ClinGen allele CA10576630.